The following is an entry in ClinVar:

ClinVar aggregate classification (germline): Uncertain significance. Review status: criteria provided, multiple submitters, no conflicts (2 of 4 stars). 2 submissions from 2 submitters: Uncertain significance (2). Last evaluated 2025-06-15.

Conditions:
Dystonia 12 (DYT12). Also called: DYT-ATP1A3; Rapid-Onset Dystonia-Parkinsonism (RDP). Identifiers: Orphanet 71517, MedGen C1868681, MONDO:0007496, OMIM 128235.

Allele frequency attached by ClinVar (database versions not stated): gnomAD exomes 0.00001 and 0.00002; ExAC 0.00002; ESP Exome Variant Server 0.00008; TOPMed 0.00008; gnomAD 0.00010; 1000 Genomes Project 0.00020; 1000 Genomes Project 30x 0.00031.
gnomAD v4.1: 24 of 1,614,194 alleles (0.0015%); highest among the groups gnomAD compares: African/African-American, 0.031%; no homozygotes.

Submissions (2):

Labcorp Genetics (formerly Invitae), Labcorp
Classification: Uncertain significance for Dystonia 12. Last evaluated: 2025-06-15. Review status: criteria provided, single submitter. Criteria: Invitae Variant Classification Sherloc (09022015). Collection method: clinical testing. Allele origin: germline.
Comment: This sequence change falls in intron 2 of the ATP1A3 gene. It does not directly change the encoded amino acid sequence of the ATP1A3 protein. It affects a nucleotide within the consensus splice site. This variant is present in population databases (rs372694213, gnomAD 0.03%). This variant has not been reported in the literature in individuals affected with ATP1A3-related conditions. ClinVar contains an entry for this variant (Variation ID: 965693). Variants that disrupt the consensus splice site are a relatively common cause of aberrant splicing (PMID: 17576681, 9536098). Algorithms developed to predict the effect of sequence changes on RNA splicing suggest that this variant may disrupt the consensus splice site. In summary, the available evidence is currently insufficient to determine the role of this variant in disease. Therefore, it has been classified as a Variant of Uncertain Significance.

GeneDx
Classification: Uncertain significance. Last evaluated: 2022-07-06. Review status: criteria provided, single submitter. Criteria: GeneDx Variant Classification Process June 2021. Collection method: clinical testing. Allele origin: germline. Affected: yes.
Comment: Has not been previously published as pathogenic or benign to our knowledge; In silico analysis supports a deleterious effect on splicing

Literature cited by the submitters: PubMed 17576681 (cited by Labcorp Genetics (formerly Invitae), Labcorp); PubMed 9536098 (cited by Labcorp Genetics (formerly Invitae), Labcorp).

NM_152296.5(ATP1A3):c.93+5G>A

Gene: ATP1A3 (ATPase Na+/K+ transporting subunit alpha 3; minus strand). Cytogenetic location: 19q13.2.
Variant type: single nucleotide variant.
Coding change: c.93+5G>A on transcript NM_152296.5 (MANE Select); 5 bases into the intron after coding-DNA position 93, G replaced by A.
Molecular consequence: intron variant.
Genome position (GRCh38, 1-based): chr19:41,988,471, C>T on the plus strand (G>A on the coding strand, the complement: ATP1A3 is on the minus strand). VCF-style: chr19-41988471-C-T. GRCh37 (hg19) VCF-style: chr19-42492623-C-T.
Other names: c.132+5G>A (NM_001256214.2); c.126+5G>A (NM_001256213.2).
Identifiers: ClinVar variation 965693 (VCV000965693.9), dbSNP rs372694213, ClinGen allele CA9467971.
Genomic context (GRCh38, chr19:41,988,471, plus strand): 5'-GCCTAGGCCAGCCAAGAACTGGCGAGGTTCTCTGGGAGGGTGTGCGGGCAGAGGGCGAGG[C>T]TTACCATAGCCACCTCCTTCTTGAGGTCATCCAGGTCCCGGCGCTCCTTGCCCTTGTTCT-3'